The following continues an entry in ClinVar:

NM_000441.2(SLC26A4):c.716T>A (p.Val239Asp)

Gene: SLC26A4. ClinVar aggregate classification (germline): Pathogenic. Pathogenic (26).

Submissions 27 to 35 of 35:

Natera, Inc.
Classification: Pathogenic for Pendred syndrome. Last evaluated: 2020-09-16. Review status: no assertion criteria provided. Collection method: clinical testing. Allele origin: germline. Not counted in ClinVar's aggregate classification.

Biochemical Molecular Genetic Laboratory, King Abdulaziz Medical City
Classification: Likely pathogenic for Pendred syndrome. Last evaluated: 2019-09-26. Review status: no assertion criteria provided. Collection method: clinical testing. Allele origin: germline. Affected: yes. Not counted in ClinVar's aggregate classification.

National Institute of Sensory Organs, National Hospital Organization Tokyo Medical Center
Classification: Affects for Autosomal recessive nonsyndromic hearing loss 4. Last evaluated: 2019-08-20. Review status: no assertion criteria provided. Collection method: literature only, in vitro. Allele origin: germline. Inheritance: Autosomal recessive inheritance. Affected: yes. Functional consequence: loss_of_function_variant. Not counted in ClinVar's aggregate classification.
Comment: in vitro experiment

Hereditary Research Laboratory, Bethlehem University
Classification: Pathogenic for Pendred syndrome. Last evaluated: 2016-06-04. Review status: no assertion criteria provided. Collection method: research. Allele origin: germline. Affected: yes. Not counted in ClinVar's aggregate classification.
Comment: Severe to Profound SNHL

Counsyl
Classification: Likely pathogenic for Pendred's syndrome. Last evaluated: 2014-07-18. Review status: no assertion criteria provided. Collection method: literature only. Allele origin: unknown. Inheritance: Autosomal recessive inheritance. Not counted in ClinVar's aggregate classification.

Clinical Genetics DNA and cytogenetics Diagnostics Lab, Erasmus MC, Erasmus Medical Center
Classification: Pathogenic. Review status: no assertion criteria provided. Collection method: clinical testing. Allele origin: germline. Affected: yes. Study: VKGL Data-share Consensus. Not counted in ClinVar's aggregate classification.

GeneReviews
No classification provided. Condition: Pendred syndrome. Review status: no classification provided. Collection method: literature only. Allele origin: germline. Not counted in ClinVar's aggregate classification.

Joint Genome Diagnostic Labs from Nijmegen and Maastricht, Radboudumc and MUMC+
Classification: Likely pathogenic. Review status: no assertion criteria provided. Collection method: clinical testing. Allele origin: germline. Affected: yes. Study: VKGL Data-share Consensus. Not counted in ClinVar's aggregate classification.

University of Washington Center for Mendelian Genomics, University of Washington
Classification: Likely pathogenic for non-syndromic autosomal recessive hearing loss. Review status: no assertion criteria provided. Collection method: research. Allele origin: inherited. Affected: yes. Not counted in ClinVar's aggregate classification.

Literature cited by the submitters: PubMed 22116360 (cited by 8 submitters); PubMed 20301640 (cited by Victorian Clinical Genetics Services, Murdoch Childrens Research Institute); PubMed 16460646 (cited by 9 submitters); PubMed 23504402 (cited by 6 submitters); PubMed 12974744 (cited by 5 submitters); PubMed 23770805 (cited by 3 submitters); PubMed 25394566 (cited by 5 submitters); PubMed 30077349 (cited by Genetics Research Center, University of Social Welfare and Rehabilitation Sciences and National Institute of Sensory Organs, National Hospital Organization Tokyo Medical Center); PubMed 33199029 (cited by Genetics Research Center, University of Social Welfare and Rehabilitation Sciences); PubMed 23965030 (cited by Genetics Research Center, University of Social Welfare and Rehabilitation Sciences and Counsyl); PubMed 31599023 (cited by 3 submitters); PubMed 27771369 (cited by Genetics Research Center, University of Social Welfare and Rehabilitation Sciences and National Institute of Sensory Organs, National Hospital Organization Tokyo Medical Center); PubMed 23336812 (cited by Genetics Research Center, University of Social Welfare and Rehabilitation Sciences and Counsyl); PubMed 19287372 (cited by 3 submitters); PubMed 12676893 (cited by 6 submitters); PubMed 30303587 (cited by 3 submitters); PubMed 32747562 (cited by Genetics Research Center, University of Social Welfare and Rehabilitation Sciences); PubMed 40377830 (cited by Laboratory of Dr. Barbara Vona, University Medical Center Göttingen); NCBI Bookshelf NBK1467 (cited by GeneReviews).